The following is an entry in ClinVar:

ClinVar aggregate classification (germline): Uncertain significance (1 of 4 stars; one submission).

Conditions:
Immunodeficiency, common variable, 10. Also called: IMMUNODEFICIENCY, COMMON VARIABLE, WITH CENTRAL ADRENAL INSUFFICIENCY; DEFICIT IN ANTERIOR PITUITARY FUNCTION AND VARIABLE IMMUNODEFICIENCY. Identifiers: MedGen C3809991, MONDO:0014260, OMIM 615577.

Submission:

Labcorp Genetics (formerly Invitae), Labcorp
Classification: Uncertain significance for Immunodeficiency, common variable, 10. Last evaluated: 2023-11-22. Review status: criteria provided, single submitter. Criteria: Invitae Variant Classification Sherloc (09022015). Collection method: clinical testing. Allele origin: germline.
Comment: This sequence change replaces alanine, which is neutral and non-polar, with valine, which is neutral and non-polar, at codon 448 of the NFKB2 protein (p.Ala448Val). This variant is not present in population databases (gnomAD no frequency). This variant has not been reported in the literature in individuals affected with NFKB2-related conditions. Algorithms developed to predict the effect of missense changes on protein structure and function output the following: SIFT: "Not Available"; PolyPhen-2: "Benign"; Align-GVGD: "Not Available". The valine amino acid residue is found in multiple mammalian species, which suggests that this missense change does not adversely affect protein function. In summary, the available evidence is currently insufficient to determine the role of this variant in disease. Therefore, it has been classified as a Variant of Uncertain Significance.

NM_001322934.2(NFKB2):c.1343C>T (p.Ala448Val)

Genes: NFKB2 (nuclear factor kappa B subunit 2; plus strand), LOC130004599 (ATAC-STARR-seq lymphoblastoid silent region 2756; plus strand). Cytogenetic location: 10q24.32.
Variant type: single nucleotide variant.
Coding change: c.1343C>T on transcript NM_001322934.2 (MANE Select); coding-DNA position 1343, C replaced by T.
Protein change: p.Ala448Val; replaces alanine 448 with valine.
Molecular consequence: missense variant.
Genome position (GRCh38, 1-based): chr10:102,399,592, C>T. VCF-style: chr10-102399592-C-T. GRCh37 (hg19) VCF-style: chr10-104159349-C-T.
Other names: c.1343C>T, p.Ala448Val (NM_001077493.1, NM_001077494.3, NM_001261403.3 and 2 more transcripts); c.1217C>T, p.Ala406Val (NM_001322935.1); short protein forms A448V, A406V.
Identifiers: ClinVar variation 2876380 (VCV002876380.3), dbSNP rs779674287, ClinGen allele CA5664805.